The following is an entry in ClinVar:

ClinVar aggregate classification (germline): Uncertain significance. Review status: criteria provided, multiple submitters, no conflicts (2 of 4 stars). 2 submissions from 2 submitters: Uncertain significance (2). Last evaluated 2025-08-07.

Conditions:
Schuurs-Hoeijmakers syndrome. Also called: PACS1-Related Neurodevelopmental Disorder. Identifiers: Orphanet 329224, MedGen C3554343, MONDO:0014006, OMIM 615009.

Submissions (2):

Labcorp Genetics (formerly Invitae), Labcorp
Classification: Uncertain significance for Schuurs-Hoeijmakers syndrome. Last evaluated: 2025-08-07. Review status: criteria provided, single submitter. Criteria: Invitae Variant Classification Sherloc (09022015). Collection method: clinical testing. Allele origin: germline.
Comment: This sequence change falls in intron 8 of the PACS1 gene. It does not directly change the encoded amino acid sequence of the PACS1 protein. It affects a nucleotide within the consensus splice site. This variant is not present in population databases (gnomAD no frequency). This variant has not been reported in the literature in individuals affected with PACS1-related conditions. Variants that disrupt the consensus splice site are a relatively common cause of aberrant splicing (PMID: 17576681, 9536098). Algorithms developed to predict the effect of sequence changes on RNA splicing suggest that this variant may disrupt the consensus splice site. In summary, the available evidence is currently insufficient to determine the role of this variant in disease. Therefore, it has been classified as a Variant of Uncertain Significance.

Blueprint Genetics
Classification: Uncertain significance. Last evaluated: 2023-06-15. Review status: criteria provided, single submitter. Criteria: ACMG Guidelines, 2015. Collection method: clinical testing. Allele origin: germline.

Literature cited by the submitters: PubMed 17576681 (cited by Labcorp Genetics (formerly Invitae), Labcorp); PubMed 9536098 (cited by Labcorp Genetics (formerly Invitae), Labcorp).

NM_018026.4(PACS1):c.1038+3A>T

Gene: PACS1 (phosphofurin acidic cluster sorting protein 1; plus strand). Cytogenetic location: 11q13.2.
Variant type: single nucleotide variant.
Coding change: c.1038+3A>T on transcript NM_018026.4 (MANE Select); 3 bases into the intron after coding-DNA position 1038, A replaced by T.
Molecular consequence: intron variant.
Genome position (GRCh38, 1-based): chr11:66,219,808, A>T. VCF-style: chr11-66219808-A-T. GRCh37 (hg19) VCF-style: chr11-65987279-A-T.
Identifiers: ClinVar variation 4723063 (VCV004723063.2).